The following is an entry in ClinVar:

NM_000518.5(HBB):c.46del (p.Trp16fs)

Genes: HBB (hemoglobin subunit beta; minus strand), LOC106099062 (HBB recombination region; plus strand), LOC107133510 (origin of replication at HBB; plus strand). Cytogenetic location: 11p15.4.
Variant type: Deletion.
Coding change: c.46del on transcript NM_000518.5 (MANE Select); coding-DNA position 46, one base deleted (T; older notation c.46delT).
Protein change: p.Trp16fs; shifts the reading frame from tryptophan 16.
Molecular consequence: frameshift variant.
Genome position (GRCh38, 1-based): chr11:5,226,976, A deleted on the plus strand (T on the coding strand, the reverse complement: HBB is on the minus strand). VCF-style (leftmost placement, unchanged base first): chr11-5226975-CA-C. GRCh37 (hg19) VCF-style: chr11-5248205-CA-C.
Other names: CD 15 (-T); c.46delT (NM_000518.5); short protein forms W16fs.
Identifiers: ClinVar variation 38647 (VCV000038647.35), dbSNP rs63749960, ClinGen allele CA217115396.
Genomic context (GRCh38, chr11:5,226,975, plus strand): 5'-AACCTTGATACCAACCTGCCCAGGGCCTCACCACCAACTTCATCCACGTTCACCTTGCCC[CA>C]CAGGGCAGTAACGGCAGACTTCTCCTCAGGAGTCAGATGCACCATGGTGTCTGTTTGAGG-3'

ClinVar aggregate classification (germline): Pathogenic. Review status: criteria provided, multiple submitters, no conflicts (2 of 4 stars). 8 submissions from 8 submitters: Pathogenic (5). 3 of the submissions do not count toward it. Last evaluated 2025-08-10.

Conditions:
Beta-thalassemia HBB/LCRB. Identifiers: MedGen CN322236, MONDO:0013517, OMIM 613985.
beta Thalassemia (BTHAL). Also called: Cooley's anemia; Erythroblastic anemia; Mediterranean anemia. Identifiers: Orphanet 848, MedGen C0005283, MONDO:0019402. Disease mechanism: loss of function.

Allele frequency attached by ClinVar (database versions not stated): gnomAD exomes below 0.00001.

Submissions (8):

Natera, Inc.
Classification: Pathogenic for Beta thalassemia. Last evaluated: 2025-08-10. Review status: criteria provided, single submitter. Criteria: Natera Variant Classification Schema (03/2026). Collection method: clinical testing. Allele origin: germline.
Comment: The c.46delT variant in HBB is a frameshift variant predicted to shift the reading frame beginning at codon 16 and leads to a stop codon 4 codons downstream. This variant is expected to result in nonsense mediated decay, truncation, or a dysfunctional protein product. This variant is rare in the general population with a frequency below the threshold expected for the associated phenotype(s). This variant has been observed in one or more individuals affected with the associated recessive disease, as either homozygous or compound heterozygous with a second variant (PMID: 35903164). Given the available evidence, this variant is classified as Pathogenic.

ARUP Laboratories, Molecular Genetics and Genomics, ARUP Laboratories
Classification: Pathogenic. Last evaluated: 2025-02-21. Review status: criteria provided, single submitter. Criteria: ARUP Molecular Germline Variant Investigation Process 2024. Collection method: clinical testing. Allele origin: germline.
Comment: The Codon 15(-T) variant (HBB: c.46del; p.Trp16GlyfsTer4, rs63749960, HbVar ID: 798), is reported in the literature in multiple individuals affected with beta0- thalassemia (see HbVar and references therein, Baysal 1994, Kelkar 2017). This variant is reported in ClinVar (Variation ID: 38647) and is absent from the Genome Aggregation Database, indicating it is not a common polymorphism (v2.1.1). This variant causes a frameshift by deleting a single nucleotide, so it is predicted to result in a truncated protein or mRNA subject to nonsense-mediated decay. Based on available information, this variant is considered to be pathogenic. References: Link to HbVar database: Baysal E et al. Distribution of beta-thalassemia mutations in three Asian Indian populations with distant geographical locations. Hemoglobin. 1994 May;18(3):201-9. PMID: 7928376. Kelkar AJ et al. Thalassemia intermedia phenotype resulting from rare combination of c.46delT (Codon15 (-T)) mutation of beta globin gene and HPFH3. Clin Case Rep. 2017 May 26;5(7):1107-1110. PMID: 28680605.

Labcorp Genetics (formerly Invitae), Labcorp
Classification: Pathogenic. Last evaluated: 2023-10-25. Review status: criteria provided, single submitter. Criteria: Invitae Variant Classification Sherloc (09022015). Collection method: clinical testing. Allele origin: germline.
Comment: This sequence change creates a premature translational stop signal (p.Trp16Glyfs*4) in the HBB gene. It is expected to result in an absent or disrupted protein product. Loss-of-function variants in HBB are known to be pathogenic (PMID: 23637309). This variant is not present in population databases (gnomAD no frequency). This premature translational stop signal has been observed in individuals with beta thalassemia (PMID: 7928376, 28680605). This variant is also known as CD 15 (-T). ClinVar contains an entry for this variant (Variation ID: 38647). Algorithms developed to predict the effect of sequence changes on RNA splicing suggest that this variant may disrupt the consensus splice site. For these reasons, this variant has been classified as Pathogenic.

Quest Diagnostics Nichols Institute San Juan Capistrano
Classification: Pathogenic. Last evaluated: 2022-09-15. Review status: criteria provided, single submitter. Criteria: Quest Diagnostics criteria. Collection method: clinical testing. Allele origin: unknown.
Comment: The HBB c.46del (p.Trp16Glyfs*4) variant (also known as Codon 15 (-T)) alters the translational reading frame of the HBB mRNA and causes the premature termination of HBB protein synthesis. This variant is associated with beta(0)-thalassemia (PMIDs: 2120891 (1990), 26402558 (2015), 27117567 (2016)). Based on the available information, this variant is classified as pathogenic.

Women's Health and Genetics/Laboratory Corporation of America, LabCorp
Classification: Pathogenic for beta Thalassemia. Last evaluated: 2017-08-23. Review status: criteria provided, single submitter. Criteria: LabCorp Variant Classification Summary - May 2015. Collection method: clinical testing. Allele origin: germline.
Comment: Variant summary: The HBB c.46delT (p.Trp16Glyfs) variant results in a premature termination codon, predicted to cause a truncated or absent HBB protein due to nonsense mediated decay, which are commonly known mechanisms for disease. Truncations downstream of this position have been classified as pathogenic by our laboratory (e.g., c.51delC [p.Lys18fs). MutationTaster predicts a damaging outcome for this variant. The variant has been identified in numerous patients, including homozygotes, and is a relatively common disease-associated mutation in South Asian and Indonesian populations. This variant is absent in 121364 control chromosomes (ExAC). Taken together, this variant is classified as pathogenic.

MOLECULAR BIOLOGY AND HUMAN GENETICS DIVISION, THE UNIVERSITY OF BURDWAN
Classification: Pathogenic for Beta-thalassemia HBB/LCRB. Last evaluated: 2024-05-07. Review status: no assertion criteria provided. Collection method: clinical testing. Allele origin: germline. Affected: yes. Observed: 14 variant alleles. Not counted in ClinVar's aggregate classification.
Comment: The variant HBB:c.46delT (NP_000509.1:p.Trp16fs ) is a beta zero type of mutation. This is a frameshift mutation by deleting a single nuecleotide base and resulting in truncated mRNA. When this variant present in homozygous or in compound heterozygous with other beta 0 / beta + mutation leads to severe type of thalassemia. Patients needing monthly transfusion, often presented with hepatosplenomegaly, Iron overload. The frequency of the variant among thalassemia patient in Eastern India is 1.39% as per our multicentric project - A Genetic Diagnostic Algorithm Based Study for Thalassemia in Northern and Eastern Indian Populations, Funded by Dept. of Biotechnology , Govt of India [Project No. BT/PR26461/MED/12/821/2018]

The ITHANET community portal, The Cyprus Institute of Neurology and Genetics
Classification: Pathogenic for beta Thalassemia. Last evaluated: 2019-11-25. Review status: no assertion criteria provided. Collection method: curation. Allele origin: germline. Not counted in ClinVar's aggregate classification.

Counsyl
Classification: Pathogenic for Beta-thalassemia HBB/LCRB. Last evaluated: 2017-08-16. Review status: no assertion criteria provided. Collection method: clinical testing. Allele origin: unknown. Not counted in ClinVar's aggregate classification.

Literature cited by the submitters: PubMed 35903164 (cited by Natera, Inc.); PubMed 23637309 (cited by Labcorp Genetics (formerly Invitae), Labcorp); PubMed 7928376 (cited by Labcorp Genetics (formerly Invitae), Labcorp and Quest Diagnostics Nichols Institute San Juan Capistrano); PubMed 28680605 (cited by Labcorp Genetics (formerly Invitae), Labcorp); PubMed 26402558 (cited by Quest Diagnostics Nichols Institute San Juan Capistrano); PubMed 27117567 (cited by 3 submitters); PubMed 2120891 (cited by Quest Diagnostics Nichols Institute San Juan Capistrano and The ITHANET community portal, The Cyprus Institute of Neurology and Genetics); PubMed 21119755 (cited by Quest Diagnostics Nichols Institute San Juan Capistrano and Women's Health and Genetics/Laboratory Corporation of America, LabCorp); PubMed 19460936 (cited by Quest Diagnostics Nichols Institute San Juan Capistrano and Women's Health and Genetics/Laboratory Corporation of America, LabCorp); PubMed 18294253 (cited by Quest Diagnostics Nichols Institute San Juan Capistrano and Women's Health and Genetics/Laboratory Corporation of America, LabCorp); PubMed 12752111 (cited by Quest Diagnostics Nichols Institute San Juan Capistrano and Counsyl); PubMed 12709369 (cited by Women's Health and Genetics/Laboratory Corporation of America, LabCorp); PubMed 22188014 (cited by Women's Health and Genetics/Laboratory Corporation of America, LabCorp); PubMed 27828729 (cited by MOLECULAR BIOLOGY AND HUMAN GENETICS DIVISION, THE UNIVERSITY OF BURDWAN).